The following is an entry in ClinVar:

NM_000432.4(MYL2):c.*10C>T

Gene: MYL2 (myosin light chain 2; minus strand). Cytogenetic location: 12q24.11.
Variant type: single nucleotide variant.
Coding change: c.*10C>T on transcript NM_000432.4 (MANE Select); 10 bases downstream of the stop codon, C replaced by T.
Molecular consequence: 3 prime UTR variant.
Genome position (GRCh38, 1-based): chr12:110,911,067, G>A on the plus strand (C>T on the coding strand, the complement: MYL2 is on the minus strand). VCF-style: chr12-110911067-G-A. GRCh37 (hg19) VCF-style: chr12-111348871-G-A.
Identifiers: ClinVar variation 36647 (VCV000036647.8), dbSNP rs193922452, ClinGen allele CA009835.

ClinVar aggregate classification (germline): Conflicting classifications of pathogenicity. Review status: criteria provided, conflicting classifications (1 of 4 stars). 3 submissions from 3 submitters: Uncertain significance (1); Benign (2). Last evaluated 2023-05-15.

Conditions:
Hypertrophic cardiomyopathy 10. Also called: MYL2-Related Familial Hypertrophic Cardiomyopathy; CARDIOMYOPATHY, HYPERTROPHIC, MID-LEFT VENTRICULAR CHAMBER TYPE, 2. Identifiers: MedGen C1834460, MONDO:0012112, OMIM 608758.

Allele frequency attached by ClinVar (database versions not stated): gnomAD 0.00007 and 0.00009; TOPMed 0.00011; ExAC 0.00012; ESP Exome Variant Server 0.00015; 1000 Genomes Project 30x 0.00016; gnomAD exomes 0.00016; 1000 Genomes Project 0.00020.
gnomAD v4.1: 126 of 1,612,080 alleles (0.0078%); highest among the groups gnomAD compares: Admixed American, 0.023%; no homozygotes.

Submissions (3):

Women's Health and Genetics/Laboratory Corporation of America, LabCorp
Classification: Benign. Last evaluated: 2023-05-15. Review status: criteria provided, single submitter. Criteria: LabCorp Variant Classification Summary - May 2015. Collection method: clinical testing. Allele origin: germline.
Comment: Variant summary: MYL2 c.*10C>T is located in the untranslated mRNA region downstream of the termination codon. The variant allele was found at a frequency of 0.00016 in 250532 control chromosomes. The observed variant frequency is approximately 2.13 fold of the estimated maximal expected allele frequency for a pathogenic variant in MYL2 causing Hypertrophic Cardiomyopathy phenotype (7.5e-05), strongly suggesting that the variant is benign. To our knowledge, no occurrence of c.*10C>T in individuals affected with Hypertrophic Cardiomyopathy and no experimental evidence demonstrating its impact on protein function have been reported. Two clinical diagnostic laboratories have submitted clinical-significance assessments for this variant to ClinVar after 2014 without evidence for independent evaluation. One laboratory classified the variant as benign/likely benign, and one laboratory classified the variant as uncertain significance. Based on the evidence outlined above, the variant was classified as benign.

Illumina Laboratory Services, Illumina
Classification: Uncertain significance for Hypertrophic cardiomyopathy 10. Last evaluated: 2018-01-13. Review status: criteria provided, single submitter. Criteria: ICSL Variant Classification Criteria 13 December 2019. Collection method: clinical testing. Allele origin: germline.

GeneDx
Classification: Benign. Last evaluated: 2015-03-03. Review status: criteria provided, single submitter. Criteria: GeneDx Variant Classification Process June 2021. Collection method: clinical testing. Allele origin: germline. Affected: yes.